The following is an entry in ClinVar:

NM_000264.5(PTCH1):c.1889A>T (p.Tyr630Phe)

Genes: PTCH1 (patched 1; minus strand), LOC100507346 (uncharacterized LOC100507346; plus strand). Cytogenetic location: 9q22.32.
Variant type: single nucleotide variant.
Coding change: c.1889A>T on transcript NM_000264.5 (MANE Select); coding-DNA position 1889, A replaced by T.
Protein change: p.Tyr630Phe; replaces tyrosine 630 with phenylalanine.
Molecular consequence: missense variant. On other transcripts: non-coding transcript variant (2).
Genome position (GRCh38, 1-based): chr9:95,469,112, T>A on the plus strand (A>T on the coding strand, the complement: PTCH1 is on the minus strand). VCF-style: chr9-95469112-T-A. GRCh37 (hg19) VCF-style: chr9-98231394-T-A.
Other names: c.1691A>T, p.Tyr564Phe (NM_001083602.3); c.1886A>T, p.Tyr629Phe (NM_001083603.3); c.1436A>T, p.Tyr479Phe (NM_001083604.3, NM_001083605.3, NM_001083606.3 and 1 more transcripts); c.1733A>T, p.Tyr578Phe (NM_001354918.2); short protein forms Y629F, Y564F, Y630F, Y479F, Y578F.
Identifiers: ClinVar variation 3427242 (VCV003427242.1).

ClinVar aggregate classification (germline): Uncertain significance (1 of 4 stars; one submission).

Conditions:
Hereditary cancer-predisposing syndrome. Also called: Neoplastic Syndromes, Hereditary; Tumor predisposition; Hereditary Cancer Syndrome; Hereditary neoplastic syndrome. Identifiers: Orphanet 140162, MedGen C0027672, MeSH D009386, MONDO:0015356.

Submission:

Ambry Genetics
Classification: Uncertain significance for Hereditary cancer-predisposing syndrome. Last evaluated: 2024-07-15. Review status: criteria provided, single submitter. Criteria: Ambry Variant Classification Scheme 2023. Collection method: clinical testing. Allele origin: germline.
Comment: The p.Y630F variant (also known as c.1889A>T), located in coding exon 14 of the PTCH1 gene, results from an A to T substitution at nucleotide position 1889. The tyrosine at codon 630 is replaced by phenylalanine, an amino acid with highly similar properties. This amino acid position is conserved. In addition, the in silico prediction for this alteration is inconclusive. Based on the available evidence, the clinical significance of this variant remains unclear.